The following is an entry in ClinVar:

ClinVar aggregate classification (germline): Uncertain significance (1 of 4 stars; one submission).

Conditions:
Congenital contractural arachnodactyly (CCA). Also called: Beals-Hecht syndrome; Arthrogryposis, distal, type 9; BEALS SYNDROME. Identifiers: Orphanet 115, MedGen C0220668, MONDO:0007363, OMIM 121050.

Submission:

Labcorp Genetics (formerly Invitae), Labcorp
Classification: Uncertain significance for Congenital contractural arachnodactyly. Last evaluated: 2022-11-15. Review status: criteria provided, single submitter. Criteria: Invitae Variant Classification Sherloc (09022015). Collection method: clinical testing. Allele origin: germline.
Comment: This sequence change replaces asparagine, which is neutral and polar, with lysine, which is basic and polar, at codon 2221 of the FBN2 protein (p.Asn2221Lys). This variant is not present in population databases (gnomAD no frequency). This variant has not been reported in the literature in individuals affected with FBN2-related conditions. ClinVar contains an entry for this variant (Variation ID: 1521024). Advanced modeling of protein sequence and biophysical properties (such as structural, functional, and spatial information, amino acid conservation, physicochemical variation, residue mobility, and thermodynamic stability) performed at Invitae indicates that this missense variant is not expected to disrupt FBN2 protein function. In summary, the available evidence is currently insufficient to determine the role of this variant in disease. Therefore, it has been classified as a Variant of Uncertain Significance.

NM_001999.4(FBN2):c.6663T>A (p.Asn2221Lys)

Gene: FBN2 (fibrillin 2; minus strand). Cytogenetic location: 5q23.3.
Variant type: single nucleotide variant.
Coding change: c.6663T>A on transcript NM_001999.4 (MANE Select); coding-DNA position 6663, T replaced by A.
Protein change: p.Asn2221Lys; replaces asparagine 2221 with lysine.
Molecular consequence: missense variant.
Genome position (GRCh38, 1-based): chr5:128,288,532, A>T on the plus strand (T>A on the coding strand, the complement: FBN2 is on the minus strand). VCF-style: chr5-128288532-A-T. GRCh37 (hg19) VCF-style: chr5-127624224-A-T.
Other names: short protein forms N2221K.
Identifiers: ClinVar variation 1521024 (VCV001521024.8), dbSNP rs2126818692, ClinGen allele CA360760553.